The following is an entry in ClinVar:

ClinVar aggregate classification (germline): Conflicting classifications of pathogenicity. Review status: criteria provided, conflicting classifications (1 of 4 stars). 5 submissions from 5 submitters: Likely pathogenic (1); Uncertain significance (4). Last evaluated 2026-08-05.

Conditions:
Hereditary cancer-predisposing syndrome. Also called: Tumor predisposition; Neoplastic Syndromes, Hereditary; Hereditary Cancer Syndrome; Hereditary neoplastic syndrome. Identifiers: Orphanet 140162, MedGen C0027672, MeSH D009386, MONDO:0015356.
Hereditary breast ovarian cancer syndrome. Also called: Hereditary breast and ovarian cancer; Hereditary breast and ovarian cancer syndrome (HBOC); Breast and ovarian cancer; BRCA1- and BRCA2-Associated Hereditary Breast and Ovarian Cancer; Hereditary breast and ovarian cancer syndrome; Hereditary breast and/or ovarian cancer syndrome. Identifiers: Orphanet 145, MedGen C0677776, MeSH D061325, MONDO:0003582. Disease mechanism: loss of function.

Submissions (6):

Ambry Genetics
Classification: Likely pathogenic for Hereditary cancer-predisposing syndrome. Last evaluated: 2026-08-05. Review status: criteria provided, single submitter. Criteria: Ambry Variant Classification Scheme 2023. Collection method: clinical testing. Allele origin: germline.
Comment: The p.H1746P variant (also known as c.5237A>C), located in coding exon 18 of the BRCA1 gene, results from an A to C substitution at nucleotide position 5237. The histidine at codon 1746 is replaced by proline, an amino acid with similar properties. One functional study found that this nucleotide substitution is non-functional in a high-throughput, genome editing, haploid cell survival assay (Findlay GM et al. Nature, 2018 10;562:217-222). A transcription activation assay found that this variant had <80% activity relative to wildtype and was, thus, considered deleterious (Fernandes VC et al. J Biol Chem, 2019 04;294:5980-5992). This amino acid position is highly conserved in available vertebrate species. In addition, this alteration is predicted to be deleterious by in silico analysis. This variant is considered to be rare based on population cohorts in the Genome Aggregation Database (gnomAD). Based on the majority of available evidence to date, this variant is likely to be pathogenic.

Labcorp Genetics (formerly Invitae), Labcorp
Classification: Uncertain significance for Hereditary breast ovarian cancer syndrome. Last evaluated: 2024-12-29. Review status: criteria provided, single submitter. Criteria: Invitae Variant Classification Sherloc (09022015). Collection method: clinical testing. Allele origin: germline.
Comment: This sequence change replaces histidine, which is basic and polar, with proline, which is neutral and non-polar, at codon 1746 of the BRCA1 protein (p.His1746Pro). This variant is not present in population databases (gnomAD no frequency). This missense change has been observed in individual(s) with breast cancer (PMID: 24297685). ClinVar contains an entry for this variant (Variation ID: 232790). Invitae Evidence Modeling incorporating data from in vitro experimental studies (PMID: 30209399) indicates that this missense variant is expected to disrupt BRCA1 function with a positive predictive value of 95%. Experimental studies are conflicting or provide insufficient evidence to determine the effect of this variant on BRCA1 function (PMID: 30209399, 30765603). In summary, the available evidence is currently insufficient to determine the role of this variant in disease. Therefore, it has been classified as a Variant of Uncertain Significance.

Color Diagnostics, LLC DBA Color Health
Classification: Uncertain significance for Hereditary cancer-predisposing syndrome. Last evaluated: 2022-05-09. Review status: criteria provided, single submitter. Criteria: ACMG Guidelines, 2015. Collection method: clinical testing. Allele origin: germline.
Comment: This missense variant replaces histidine with proline at codon 1746 of the BRCA1 protein. Computational prediction suggests that this variant may have deleterious impact on protein structure and function (internally defined REVEL score threshold >= 0.7, PMID: 27666373). This variant has been reported to be loss-of-function in a haploid cell proliferation assay (PMID: 30209399). This variant has been reported in an individual affected with early onset breast cancer (PMID: 24297685). This variant has not been identified in the general population by the Genome Aggregation Database (gnomAD). The available evidence is insufficient to determine the role of this variant in disease conclusively. Therefore, this variant is classified as a Variant of Uncertain Significance.

GeneDx
Classification: Uncertain significance. Last evaluated: 2019-08-23. Review status: criteria provided, single submitter. Criteria: GeneDx Variant Classification Process June 2021. Collection method: clinical testing. Allele origin: germline. Affected: yes.
Comment: Not observed in large population cohorts (Lek et al., 2016); In silico analysis, which includes protein predictors and evolutionary conservation, supports a deleterious effect; This variant is associated with the following publications: (PMID: 24297685, 30765603, 30209399)

Quest Diagnostics Nichols Institute San Juan Capistrano
Classification: Uncertain significance. Last evaluated: 2017-10-05. Review status: criteria provided, single submitter. Criteria: Quest Diagnostics criteria. Collection method: clinical testing. Allele origin: germline.

Brotman Baty Institute, University of Washington
No classification provided (evidence only). Condition: Breast-ovarian cancer, familial 1. Review status: no classification provided. Collection method: in vitro. Allele origin: not applicable. Functional consequence: functionally_abnormal. Not counted in ClinVar's aggregate classification.
ClinVar note: "not provided" was previously submitted as the classification for the variant. However, the classification appeared to be based only on an observation of functional data so it was converted to no classification on 2025-07-30.

Literature cited by the submitters: PubMed 24297685 (cited by 3 submitters); PubMed 30209399 (cited by 3 submitters); PubMed 30765603 (cited by Ambry Genetics and Labcorp Genetics (formerly Invitae), Labcorp).

NM_007294.4(BRCA1):c.5237A>C (p.His1746Pro)

Gene: BRCA1 (BRCA1 DNA repair associated; minus strand). Cytogenetic location: 17q21.31.
Variant type: single nucleotide variant.
Coding change: c.5237A>C on transcript NM_007294.4 (MANE Select); coding-DNA position 5237, A replaced by C.
Protein change: p.His1746Pro; replaces histidine 1746 with proline.
Molecular consequence: missense variant. On other transcripts: non-coding transcript variant (1).
Genome position (GRCh38, 1-based): chr17:43,057,092, T>G on the plus strand (A>C on the coding strand, the complement: BRCA1 is on the minus strand). VCF-style: chr17-43057092-T-G. GRCh37 (hg19) VCF-style: chr17-41209109-T-G.
Other names: c.5234A>C, p.His1745Pro (NM_001407619.1, NM_001407620.1, NM_001407621.1 and 17 more transcripts); c.5231A>C, p.His1744Pro (NM_001407632.1, NM_001407633.1, NM_001407634.1 and 14 more transcripts); c.5159A>C, p.His1720Pro (NM_001407654.1, NM_001407655.1, NM_001407652.1 and 1 more transcripts); c.5156A>C, p.His1719Pro (NM_001407656.1, NM_001407657.1, NM_001407658.1); c.5153A>C, p.His1718Pro (NM_001407659.1, NM_001407660.1, NM_001407661.1 and 2 more transcripts); c.5111A>C, p.His1704Pro (NM_001407673.1, NM_001407674.1, NM_001407675.1 and 10 more transcripts); c.5108A>C, p.His1703Pro (NM_001407681.1, NM_001407941.1, NM_001407682.1 and 6 more transcripts); c.5096A>C, p.His1699Pro (NM_001407692.1, NM_001407694.1, NM_001407695.1 and 13 more transcripts); and 72 more; short protein forms H1746P, H1767P, H642P, H1699P, H1449P, H1592P, H1633P, H1676P.
Identifiers: ClinVar variation 232790 (VCV000232790.22), dbSNP rs876659991, ClinGen allele CA10580491.
Genomic context (GRCh38, chr17:43,057,092, plus strand): 5'-CTTGAGGGAGGGAGCTTTACCTTTCTGTCCTGGGATTCTCTTGCTCGCTTTGGACCTTGG[T>G]GGTTTCTTCCATTGACCACATCTCCTCTGACTTCAAAATCATGCTGAAAGAAACCAAACA-3'
Protein context (NP_009225.1, residues 1736-1756): VRGDVVNGRN[His1746Pro]QGPKRARESQ